The following is an entry in ClinVar:

ClinVar aggregate classification (germline): Uncertain significance. Review status: criteria provided, multiple submitters, no conflicts (2 of 4 stars). 3 submissions from 3 submitters: Uncertain significance (3). Last evaluated 2025-05-03.

Conditions:
Inborn genetic diseases. Identifiers: MedGen C0950123, MeSH D030342.
Pulmonary hypertension, primary, 3. Identifiers: Orphanet 422, MedGen C3809192, MONDO:0014135, OMIM 615343.
Congenital generalized lipodystrophy type 3 (CGL3). Also called: BERARDINELLI-SEIP CONGENITAL LIPODYSTROPHY, TYPE 3. Identifiers: Orphanet 528, Orphanet 696206, MedGen C2675861, MONDO:0012923, OMIM 612526.
Partial lipodystrophy, congenital cataracts, and neurodegeneration syndrome (FPLD7). Identifiers: MedGen C3807567, MONDO:0011714, OMIM 606721.

Allele frequency attached by ClinVar (database versions not stated): gnomAD exomes below 0.00001 and 0.00002; ExAC 0.00004; gnomAD 0.00005 and 0.00006; TOPMed 0.00008.
gnomAD v4.1: 12 of 1,612,294 alleles (0.00074%); highest among the groups gnomAD compares: African/African-American, 0.015%; no homozygotes.

Submissions (3):

Ambry Genetics
Classification: Uncertain significance for Inborn genetic diseases. Last evaluated: 2025-05-03. Review status: criteria provided, single submitter. Criteria: Ambry Variant Classification Scheme 2023. Collection method: clinical testing. Allele origin: germline.
Comment: The p.F68V variant (also known as c.202T>G), located in coding exon 3 of the CAV1 gene, results from a T to G substitution at nucleotide position 202. The phenylalanine at codon 68 is replaced by valine, an amino acid with highly similar properties. This amino acid position is conserved. In addition, this alteration is predicted to be deleterious by in silico analysis. Since supporting evidence is limited at this time, the clinical significance of this alteration remains unclear.

Fulgent Genetics
Classification: Uncertain significance for Partial lipodystrophy, congenital cataracts, and neurodegeneration syndrome; Congenital generalized lipodystrophy type 3; Pulmonary hypertension, primary, 3. Last evaluated: 2022-03-22. Review status: criteria provided, single submitter. Criteria: ACMG Guidelines, 2015. Collection method: clinical testing. Allele origin: unknown.

Labcorp Genetics (formerly Invitae), Labcorp
Classification: Uncertain significance for Pulmonary hypertension, primary, 3. Last evaluated: 2021-09-01. Review status: criteria provided, single submitter. Criteria: Invitae Variant Classification Sherloc (09022015). Collection method: clinical testing. Allele origin: germline.
Comment: This sequence change replaces phenylalanine with valine at codon 68 of the CAV1 protein (p.Phe68Val). The phenylalanine residue is highly conserved and there is a small physicochemical difference between phenylalanine and valine. This variant is present in population databases (rs752571940, ExAC 0.04%). This variant has not been reported in the literature in individuals affected with CAV1-related conditions. Algorithms developed to predict the effect of missense changes on protein structure and function (SIFT, PolyPhen-2, Align-GVGD) all suggest that this variant is likely to be disruptive. In summary, the available evidence is currently insufficient to determine the role of this variant in disease. Therefore, it has been classified as a Variant of Uncertain Significance.

NM_001753.5(CAV1):c.202T>G (p.Phe68Val)

Gene: CAV1 (caveolin 1; plus strand). Cytogenetic location: 7q31.2.
Variant type: single nucleotide variant.
Coding change: c.202T>G on transcript NM_001753.5 (MANE Select); coding-DNA position 202, T replaced by G.
Protein change: p.Phe68Val; replaces phenylalanine 68 with valine.
Molecular consequence: missense variant.
Genome position (GRCh38, 1-based): chr7:116,558,952, T>G. VCF-style: chr7-116558952-T-G. GRCh37 (hg19) VCF-style: chr7-116199006-T-G.
Other names: c.109T>G, p.Phe37Val (NM_001172895.1, NM_001172896.2, NM_001172897.2); short protein forms F68V, F37V.
Identifiers: ClinVar variation 944210 (VCV000944210.11), dbSNP rs752571940, ClinGen allele CA4447849.